The following is an entry in ClinVar:

ClinVar aggregate classification (germline): Uncertain significance (0 of 4 stars; one submission).

Conditions:
SOD1-related disorder. Also called: SOD1-related condition.

gnomAD v4.1: 1 of 1,613,908 alleles (0.000062%); highest among the groups gnomAD compares: Non-Finnish European, 0.000085%; no homozygotes.

Submission:

PreventionGenetics, part of Exact Sciences
Classification: Uncertain significance for SOD1-related condition. Last evaluated: 2024-01-26. Review status: no assertion criteria provided. Collection method: clinical testing. Allele origin: germline.
Comment: The SOD1 c.421G>C variant is predicted to result in the amino acid substitution p.Ala141Pro. To our knowledge, this variant has not been reported in the literature or in a large population database, indicating this variant is rare. A different missense change impacting the same amino acid (p.Ala141Gly) has been reported in an individual with amyotrophic lateral sclerosis and measured SOD1 activity of the patient's erythrocytes indicated a 30% reduction compared to control (Naini et al. 2002. PubMed ID: 12039658). Although we suspect this variant may be pathogenic, at this time, the clinical significance of the c.421G>C (p.Ala141Pro) variant is uncertain due to the absence of conclusive functional and genetic evidence.

NM_000454.5(SOD1):c.421G>C (p.Ala141Pro)

Gene: SOD1 (superoxide dismutase 1; plus strand). Cytogenetic location: 21q22.11.
Variant type: single nucleotide variant.
Coding change: c.421G>C on transcript NM_000454.5 (MANE Select); coding-DNA position 421, G replaced by C.
Protein change: p.Ala141Pro; replaces alanine 141 with proline.
Molecular consequence: missense variant.
Genome position (GRCh38, 1-based): chr21:31,668,534, G>C. VCF-style: chr21-31668534-G-C. GRCh37 (hg19) VCF-style: chr21-33040847-G-C.
Other names: short protein forms A141P.
Identifiers: ClinVar variation 3348117 (VCV003348117.1).
Genomic context (GRCh38, chr21:31,668,534, plus strand): 5'-CATGAAAAAGCAGATGACTTGGGCAAAGGTGGAAATGAAGAAAGTACAAAGACAGGAAAC[G>C]CTGGAAGTCGTTTGGCTTGTGGTGTAATTGGGATCGCCCAATAAACATTCCCTTGGATGT-3'
Protein context (NP_000445.1, residues 131-151): GNEESTKTGN[Ala141Pro]GSRLACGVIG